The following is an entry in ClinVar:

ClinVar aggregate classification (germline): Likely pathogenic (1 of 4 stars; one submission).

Conditions:
Lethal left ventricular non-compaction-seizures-hypotonia-cataract-developmental delay syndrome. Also called: Combined oxidative phosphorylation deficiency 31. Identifiers: Orphanet 478049, MedGen C4310661, MONDO:0014976, OMIM 617228.

gnomAD v4.1: 7 of 1,612,572 alleles (0.00043%); highest among the groups gnomAD compares: South Asian, 0.0033%; no homozygotes.

Submission:

Victorian Clinical Genetics Services, Murdoch Childrens Research Institute
Classification: Likely pathogenic for Lethal left ventricular non-compaction-seizures-hypotonia-cataract-developmental delay syndrome. Last evaluated: 2020-10-19. Review status: criteria provided, single submitter. Criteria: ACMG Guidelines, 2015. Collection method: clinical testing. Allele origin: germline. Inheritance: Autosomal recessive inheritance.
Comment: Based on the classification scheme VCGS_Germline_v1.3.3, this variant is classified as Likely Pathogenic. Following criteria are met: 0102 - Loss of function is a known mechanism of disease in this gene and is associated with combined oxidative phosphorylation deficiency 31 (MIM#617228). (I) 0106 - This gene is associated with autosomal recessive disease. (I) 0200 - Variant is predicted to result in a missense amino acid change from glycine to alanine. (I) 0252 - This variant is homozygous. (I) 0301 - Variant is absent from gnomAD (both v2 and v3). (SP) 0502 - Missense variant with conflicting in silico predictions, but very high conservation. (I) 0600 - Variant is located in the annotated peptidase family M3 domain (NCBI, PDB). (I) 0705 - No comparable missense variants have previous evidence for pathogenicity. (I) 0807 - This variant has no previous evidence of pathogenicity. (I) 0905 - No published segregation evidence has been identified for this variant. (I) 1001 - This variant has strong functional evidence supporting abnormal protein function. Functional analysis of the variant demonstrated a reduction in the abundance of MIPEP and accumulation of the intermediate form of the mitoribosomal protein MRPL12 (i-MRPL12) in patient fibroblasts (unpublished). (SP) 1102 - Strong phenotype match for this individual. (I) Legend: (SP) - Supporting pathogenic, (I) - Information, (SB) - Supporting benign

NM_005932.4(MIPEP):c.890G>C (p.Gly297Ala)

Gene: MIPEP (mitochondrial intermediate peptidase; minus strand). Cytogenetic location: 13q12.12.
Variant type: single nucleotide variant.
Coding change: c.890G>C on transcript NM_005932.4 (MANE Select); coding-DNA position 890, G replaced by C.
Protein change: p.Gly297Ala; replaces glycine 297 with alanine.
Molecular consequence: missense variant.
Genome position (GRCh38, 1-based): chr13:23,869,345, C>G on the plus strand (G>C on the coding strand, the complement: MIPEP is on the minus strand). VCF-style: chr13-23869345-C-G. GRCh37 (hg19) VCF-style: chr13-24443484-C-G.
Other names: short protein forms G297A.
Identifiers: ClinVar variation 1806091 (VCV001806091.1), dbSNP rs780379456, ClinGen allele CA387527440.